The following is an entry in ClinVar:

ClinVar aggregate classification (germline): Likely benign. Review status: criteria provided, multiple submitters, no conflicts (2 of 4 stars). 2 submissions from 2 submitters: Likely benign (2). Last evaluated 2026-02-06.

Allele frequency attached by ClinVar (database versions not stated): 1000 Genomes Project 30x 0.00016; 1000 Genomes Project 0.00020; ESP Exome Variant Server 0.00108.
gnomAD v4.1: 208 of 1,613,968 alleles (0.013%); highest among the groups gnomAD compares: African/African-American, 0.23%; no homozygotes.

Submissions (2):

Women's Health and Genetics/Laboratory Corporation of America, LabCorp
Classification: Likely benign. Last evaluated: 2026-02-06. Review status: criteria provided, single submitter. Criteria: LabCorp Variant Classification Summary - May 2015. Collection method: clinical testing. Allele origin: germline.
Comment: Variant summary: CFHR2 c.206G>T (p.Arg69Leu) results in a non-conservative amino acid change in the encoded protein sequence. Algorithms developed to predict the effect of missense changes on protein structure and function are either unavailable or do not agree on the potential impact of this missense change. The variant allele was found at a frequency of 0.00025 in 251208 control chromosomes, predominantly at a frequency of 0.0031 within the African or African-American subpopulation in the gnomAD database. The observed variant frequency within African or African-American control individuals in the gnomAD database exceeds the estimated maximal expected allele frequency for disease-causing variants in CFHR2. To our knowledge, no occurrence of c.206G>T in individuals affected with CFHR2-related conditions and no experimental evidence demonstrating its impact on protein function have been reported. ClinVar contains an entry for this variant (Variation ID: 2581641). Based on the evidence outlined above, the variant was classified as likely benign.

Mayo Clinic Laboratories, Mayo Clinic
Classification: Likely benign. Last evaluated: 2024-12-04. Review status: criteria provided, single submitter. Criteria: ACMG Guidelines, 2015. Collection method: clinical testing. Allele origin: germline. Observed: 6 variant alleles.
Comment: BP1, BP4

NM_005666.4(CFHR2):c.206G>T (p.Arg69Leu)

Gene: CFHR2 (complement factor H related 2; plus strand). Cytogenetic location: 1q31.3.
Variant type: single nucleotide variant.
Coding change: c.206G>T on transcript NM_005666.4 (MANE Select); coding-DNA position 206, G replaced by T.
Protein change: p.Arg69Leu; replaces arginine 69 with leucine.
Molecular consequence: missense variant. On other transcripts: intron variant (2).
Genome position (GRCh38, 1-based): chr1:196,949,602, G>T. VCF-style: chr1-196949602-G-T. GRCh37 (hg19) VCF-style: chr1-196918732-G-T.
Other names: p.Arg69Leu; c.58+5664G>T (NM_001312672.1); c.59-1250G>T (NM_001410924.1); short protein forms R69L.
Identifiers: ClinVar variation 2581641 (VCV002581641.4), dbSNP rs144596551, ClinGen allele CA1307339.
Genomic context (GRCh38, chr1:196,949,602, plus strand): 5'-AAGTTTTCTATTACTCCTGTGAATATAATTTTGTGTCTCCTTCAAAATCCTTTTGGACTC[G>T]CATAACGTGCGCAGAAGAAGGATGGTCACCAACACCAAAGTGTCTCAGTGAGTAAATGCC-3'
Protein context (NP_005657.1, residues 59-79): FVSPSKSFWT[Arg69Leu]ITCAEEGWSP